The following is an entry in ClinVar:

ClinVar aggregate classification (germline): Uncertain significance. Review status: criteria provided, multiple submitters, no conflicts (2 of 4 stars). 2 submissions from 2 submitters: Uncertain significance (2). Last evaluated 2025-11-24.

Conditions:
Lafora disease. Also called: Epilepsy progressive myoclonic 2. Identifiers: Orphanet 501, MedGen C0751783, MONDO:0009697.
Inborn genetic diseases. Identifiers: MedGen C0950123, MeSH D030342.

Allele frequency attached by ClinVar (database versions not stated): gnomAD 0.00002; gnomAD exomes 0.00001 and 0.00004; TOPMed 0.00001; ExAC 0.00001.

Submissions (2):

Ambry Genetics
Classification: Uncertain significance for Inborn genetic diseases. Last evaluated: 2025-11-24. Review status: criteria provided, single submitter. Criteria: Ambry Variant Classification Scheme 2023. Collection method: clinical testing. Allele origin: germline.

Labcorp Genetics (formerly Invitae), Labcorp
Classification: Uncertain significance for Lafora disease. Last evaluated: 2021-09-01. Review status: criteria provided, single submitter. Criteria: Invitae Variant Classification Sherloc (09022015). Collection method: clinical testing. Allele origin: germline.
Comment: This sequence change replaces phenylalanine with leucine at codon 215 of the NHLRC1 protein (p.Phe215Leu). The phenylalanine residue is highly conserved and there is a small physicochemical difference between phenylalanine and leucine. This variant is present in population databases (rs753591736, ExAC 0.002%). This variant has not been reported in the literature in individuals affected with NHLRC1-related conditions. Algorithms developed to predict the effect of missense changes on protein structure and function are either unavailable or do not agree on the potential impact of this missense change (SIFT: "Deleterious"; PolyPhen-2: "Possibly Damaging"; Align-GVGD: "Class C15"). In summary, the available evidence is currently insufficient to determine the role of this variant in disease. Therefore, it has been classified as a Variant of Uncertain Significance.

NM_198586.3(NHLRC1):c.643T>C (p.Phe215Leu)

Gene: NHLRC1 (NHL repeat containing E3 ubiquitin protein ligase 1; minus strand). Cytogenetic location: 6p22.3.
Variant type: single nucleotide variant.
Coding change: c.643T>C on transcript NM_198586.3 (MANE Select); coding-DNA position 643, T replaced by C.
Protein change: p.Phe215Leu; replaces phenylalanine 215 with leucine.
Molecular consequence: missense variant.
Genome position (GRCh38, 1-based): chr6:18,121,964, A>G on the plus strand (T>C on the coding strand, the complement: NHLRC1 is on the minus strand). VCF-style: chr6-18121964-A-G. GRCh37 (hg19) VCF-style: chr6-18122195-A-G.
Other names: c.643T>C (NM_198586.2); short protein forms F215L.
Identifiers: ClinVar variation 1046563 (VCV001046563.7), dbSNP rs753591736, ClinGen allele CA3649964.